The following is an entry in ClinVar:

NM_005866.4(SIGMAR1):c.356G>A (p.Arg119His)

Gene: SIGMAR1 (sigma receptor chaperone 1; minus strand). Cytogenetic location: 9p13.3.
Variant type: single nucleotide variant.
Coding change: c.356G>A on transcript NM_005866.4 (MANE Select); coding-DNA position 356, G replaced by A.
Protein change: p.Arg119His; replaces arginine 119 with histidine.
Molecular consequence: missense variant. On other transcripts: non-coding transcript variant (1), intron variant (2).
Genome position (GRCh38, 1-based): chr9:34,637,086, C>T on the plus strand (G>A on the coding strand, the complement: SIGMAR1 is on the minus strand). VCF-style: chr9-34637086-C-T. GRCh37 (hg19) VCF-style: chr9-34637083-C-T.
Other names: c.356G>A, p.Arg119His (NM_001282205.2); c.56G>A, p.Arg19His (NM_001282206.2); c.296G>A, p.Arg99His (NM_001282207.2); c.379G>A, p.Ala127Thr (NM_001282208.2); c.305+181G>A (NM_001282209.2); c.352+134G>A (NM_147157.3); short protein forms A127T, R119H, R19H, R99H.
Identifiers: ClinVar variation 2196903 (VCV002196903.5), dbSNP rs1419128565, ClinGen allele CA373274345.

ClinVar aggregate classification (germline): Conflicting classifications of pathogenicity. Review status: criteria provided, conflicting classifications (1 of 4 stars). 2 submissions from 2 submitters: Likely pathogenic (1); Uncertain significance (1). Last evaluated 2024-09-13.

Conditions:
Autosomal recessive distal spinal muscular atrophy 2. Also called: NEURONOPATHY, DISTAL HEREDITARY MOTOR, JERASH TYPE; NEUROPATHY, DISTAL HEREDITARY MOTOR, JERASH TYPE; SPINAL MUSCULAR ATROPHY, JERASH TYPE; Hereditary motor neuropathy, Jerash type; Motor neuropathy, distal, Jerash type; NEUROPATHY, DISTAL HEREDITARY MOTOR, AUTOSOMAL RECESSIVE 2. Identifiers: Orphanet 139552, MedGen C1854023, MONDO:0011585, OMIM 605726.
Amyotrophic lateral sclerosis type 16. Also called: AMYOTROPHIC LATERAL SCLEROSIS 16, JUVENILE. Identifiers: Orphanet 300605, MedGen C3280587, MONDO:0013715, OMIM 614373.

Allele frequency attached by ClinVar (database versions not stated): gnomAD 0.00001; TOPMed below 0.00001.
gnomAD v4.1: 2 of 1,613,882 alleles (0.00012%); highest among the groups gnomAD compares: Non-Finnish European, 0.00017%; no homozygotes.

Submissions (2):

Centre for Clinical Genetics and Genomic Diagnostics, Zealand University Hospital
Classification: Likely pathogenic. Last evaluated: 2024-09-13. Review status: criteria provided, single submitter. Criteria: ACMG Guidelines, 2015. Collection method: clinical testing. Allele origin: germline.
Comment: Confirmed compound heterozygous

Labcorp Genetics (formerly Invitae), Labcorp
Classification: Uncertain significance for Autosomal recessive distal spinal muscular atrophy 2; Amyotrophic lateral sclerosis type 16. Last evaluated: 2022-06-14. Review status: criteria provided, single submitter. Criteria: Invitae Variant Classification Sherloc (09022015). Collection method: clinical testing. Allele origin: germline.
Comment: In summary, the available evidence is currently insufficient to determine the role of this variant in disease. Therefore, it has been classified as a Variant of Uncertain Significance. Algorithms developed to predict the effect of missense changes on protein structure and function are either unavailable or do not agree on the potential impact of this missense change (SIFT: "Tolerated"; PolyPhen-2: "Probably Damaging"; Align-GVGD: "Class C0"). This variant has not been reported in the literature in individuals affected with SIGMAR1-related conditions. This variant is present in population databases (no rsID available, gnomAD 0.0009%). This sequence change replaces arginine, which is basic and polar, with histidine, which is basic and polar, at codon 119 of the SIGMAR1 protein (p.Arg119His).